The following is an entry in ClinVar:

ClinVar aggregate classification (germline): Conflicting classifications of pathogenicity. Review status: criteria provided, conflicting classifications (1 of 4 stars). 3 submissions from 3 submitters: Uncertain significance (2); Likely benign (1). Last evaluated 2025-07-28.

Conditions:
Hereditary cancer-predisposing syndrome. Also called: Tumor predisposition; Hereditary neoplastic syndrome; Hereditary Cancer Syndrome; Neoplastic Syndromes, Hereditary. Identifiers: Orphanet 140162, MedGen C0027672, MeSH D009386, MONDO:0015356.

Allele frequency attached by ClinVar (database versions not stated): gnomAD exomes 0.00001 and 0.00002; ExAC 0.00002.
gnomAD v4.1: 9 of 1,613,710 alleles (0.00056%); highest among the groups gnomAD compares: East Asian, 0.02%; no homozygotes.

Submissions (3):

Labcorp Genetics (formerly Invitae), Labcorp
Classification: Likely benign. Last evaluated: 2025-07-28. Review status: criteria provided, single submitter. Criteria: Invitae Variant Classification Sherloc (09022015). Collection method: clinical testing. Allele origin: germline.

Ambry Genetics
Classification: Uncertain significance for Hereditary cancer-predisposing syndrome. Last evaluated: 2024-09-10. Review status: criteria provided, single submitter. Criteria: Ambry Variant Classification Scheme 2023. Collection method: clinical testing. Allele origin: germline.
Comment: The c.580-5G>T intronic variant results from a G to T substitution 5 nucleotides upstream from coding exon 4 in the MSH3 gene. This nucleotide position is not well conserved in available vertebrate species. In silico splice site analysis predicts that this alteration will not have any significant effect on splicing. Based on the available evidence, the clinical significance of this variant remains unclear.

Quest Diagnostics Nichols Institute San Juan Capistrano
Classification: Uncertain significance. Last evaluated: 2023-02-22. Review status: criteria provided, single submitter. Criteria: Quest Diagnostics criteria. Collection method: clinical testing. Allele origin: unknown.
Comment: To the best of our knowledge, the variant has not been reported in the published literature. The frequency of this variant in the general population, 0.000008 (2/250886 chromosomes), is uninformative in assessment of its pathogenicity. Analysis of this variant using software algorithms for the prediction of the effect of nucleotide changes on splicing yielded predictions that this variant does not affect MSH3 mRNA splicing . Based on the available information, we are unable to determine the clinical significance of this variant.

NM_002439.5(MSH3):c.580-5G>T

Gene: MSH3 (mutS homolog 3; plus strand). Cytogenetic location: 5q14.1.
Variant type: single nucleotide variant.
Coding change: c.580-5G>T on transcript NM_002439.5 (MANE Select); 5 bases into the intron before coding-DNA position 580, G replaced by T.
Molecular consequence: intron variant.
Genome position (GRCh38, 1-based): chr5:80,670,092, G>T. VCF-style: chr5-80670092-G-T. GRCh37 (hg19) VCF-style: chr5-79965911-G-T.
Identifiers: ClinVar variation 792780 (VCV000792780.15), dbSNP rs770150309, ClinGen allele CA3327645.
Genomic context (GRCh38, chr5:80,670,092, plus strand): 5'-CCGTCTCTGGGAACTTATTATTGTGGTTAATATTTTTAAAACTTTATACATCTTTTGGTT[G>T]CCAGGACACAACACTTTTTGATCTCAGTCAGTTTGGATCATCAAATACAAGTCATGAAAA-3'